The following is an entry in ClinVar:

ClinVar aggregate classification (germline): Uncertain significance (1 of 4 stars; one submission).

Submission:

GeneDx
Classification: Uncertain significance. Last evaluated: 2025-07-30. Review status: criteria provided, single submitter. Criteria: GeneDx Variant Classification Process June 2021. Collection method: clinical testing. Allele origin: germline.
Comment: Not observed at significant frequency in large population cohorts (gnomAD); In-frame deletion of 7 amino acids in a non-repeat region; In silico analysis supports a deleterious effect on protein structure/function; Has not been previously published as pathogenic or benign to our knowledge

NM_001012759.3(CTU2):c.39_59del (p.Glu14_Pro20del)

Gene: CTU2 (cytosolic thiouridylase subunit 2; plus strand). Cytogenetic location: 16q24.3.
Variant type: Deletion.
Coding change: c.39_59del on transcript NM_001012759.3 (MANE Select); coding-DNA positions 39 to 59, 21 bases deleted (TGAGGAGCCGCCCCCGGCGCC).
Protein change: p.Glu14_Pro20del.
Molecular consequence: 5 prime UTR variant (on NM_001318513.2).
Genome position (GRCh38, 1-based): chr16:88,706,569-88,706,589, TGAGGAGCCGCCCCCGGCGCC deleted; deleting any 21 consecutive bases within chr16:88,706,561-88,706,589 gives the same sequence; the c. name uses the placement nearest the transcript's 3' end. VCF-style (leftmost placement, unchanged base first): chr16-88706560-GCCGGCGCCTGAGGAGCCGCCC-G. GRCh37 (hg19) VCF-style: chr16-88772968-GCCGGCGCCTGAGGAGCCGCCC-G.
Other names: c.39_59del, p.Glu14_Pro20del (NM_001012762.3, NM_001318507.2); c.-144_-124del (NM_001318513.2).
Identifiers: ClinVar variation 3766143 (VCV003766143.2).
Genomic context (GRCh38, chr16:88,706,560, plus strand): 5'-GCCACAGTCTGCGACGGGACCCGGCGTGCCCATGTGTCAGGTGGGCGAGGACTACGGGGA[GCCGGCGCCTGAGGAGCCGCCC>G]CCGGCGCCGCGGCCCAGGTAAGAGCTGGCGGCCGGACCCGCCAGGCCGCCCCTCGCCTTC-3'